The following is an entry in ClinVar:

NM_000071.3(CBS):c.215A>T (p.Lys72Ile)

Gene: CBS (cystathionine beta-synthase; minus strand). Cytogenetic location: 21q22.3.
Variant type: single nucleotide variant.
Coding change: c.215A>T on transcript NM_000071.3 (MANE Select); coding-DNA position 215, A replaced by T.
Protein change: p.Lys72Ile; replaces lysine 72 with isoleucine.
Molecular consequence: missense variant.
Genome position (GRCh38, 1-based): chr21:43,068,610, T>A on the plus strand (A>T on the coding strand, the complement: CBS is on the minus strand). VCF-style: chr21-43068610-T-A. GRCh37 (hg19) VCF-style: chr21-44488720-T-A.
Other names: p.K72I:AAA>ATA; c.215A>T, p.Lys72Ile (NM_001178008.3, NM_001178009.3, NM_001320298.2); short protein forms K72I.
Identifiers: ClinVar variation 212883 (VCV000212883.73), dbSNP rs192232907, ClinGen allele CA320825.

ClinVar aggregate classification (germline): Conflicting classifications of pathogenicity. Review status: criteria provided, conflicting classifications (1 of 4 stars). 10 submissions from 10 submitters: Uncertain significance (4); Benign (1); Likely benign (3). 2 of the submissions do not count toward it. Last evaluated 2026-02-04.

Conditions:
CBS-related disorder. Also called: CBS-related condition.
Connective tissue disorder. Also called: Connective tissue disease. Identifiers: MedGen C0009782, MONDO:0003900.
Classic homocystinuria. Also called: Homocystinuria due to Cystathionine Beta-Synthase Deficiency; Homocystinuria due to CBS deficiency; Cystathionine beta-synthase deficiency; CBS deficiency; HOMOCYSTINURIA WITH OR WITHOUT RESPONSE TO PYRIDOXINE. Identifiers: Orphanet 394, MedGen C0751202, MONDO:0009352, OMIM 236200.
Familial thoracic aortic aneurysm and aortic dissection (TAAD). Also called: Thoracic aortic aneurysms and dissections. Identifiers: Orphanet 91387, MedGen C4707243, MONDO:0019625.
HYPERHOMOCYSTEINEMIA, THROMBOTIC, CBS-RELATED. Identifiers: MedGen C3150344, OMIM 236200.

Allele frequency attached by ClinVar (database versions not stated): ESP Exome Variant Server 0.00015; gnomAD 0.00056; ExAC 0.00062; gnomAD exomes 0.00063; 1000 Genomes Project 0.00220.

Submissions (10):

Labcorp Genetics (formerly Invitae), Labcorp
Classification: Likely benign for HYPERHOMOCYSTEINEMIA, THROMBOTIC, CBS-RELATED. Last evaluated: 2026-02-04. Review status: criteria provided, single submitter. Criteria: Invitae Variant Classification Sherloc (09022015). Collection method: clinical testing. Allele origin: germline.

Women's Health and Genetics/Laboratory Corporation of America, LabCorp
Classification: Likely benign. Last evaluated: 2026-01-16. Review status: criteria provided, single submitter. Criteria: LabCorp Variant Classification Summary - May 2015. Collection method: clinical testing. Allele origin: germline.
Comment: Variant summary: CBS c.215A>T (p.Lys72Ile) results in a non-conservative amino acid change in the encoded protein sequence. Algorithms developed to predict the effect of missense changes on protein structure and function are either unavailable or do not agree on the potential impact of this missense change. The variant allele was found at a frequency of 0.00063 in 250818 control chromosomes, predominantly at a frequency of 0.0074 within the East Asian subpopulation in the gnomAD database. The observed variant frequency within East Asian control individuals in the gnomAD database exceeds the estimated maximal expected allele frequency for disease-causing variants in CBS. c.215A>T has been observed in at least one individual of Chinese ancestry affected with Homocystinuria (e.g. Li_2018, Al-Sadeq_2024). These report(s) do not provide unequivocal conclusions about association of the variant with Homocystinuria. At least one publication reports experimental evidence evaluating an impact on protein function. These results showed no damaging effect of this variant (Al-Sadeq_2024). The following publications have been ascertained in the context of this evaluation (PMID: 38563463, 29508359, 36787440, 30838026). ClinVar contains an entry for this variant (Variation ID: 212883). Based on the evidence outlined above, the variant was classified as likely benign.

Blueprint Genetics
Classification: Likely benign. Last evaluated: 2024-11-25. Review status: criteria provided, single submitter. Criteria: ACMG Guidelines, 2015. Collection method: clinical testing. Allele origin: germline.

ARUP Laboratories, Molecular Genetics and Genomics, ARUP Laboratories
Classification: Uncertain significance. Last evaluated: 2020-02-23. Review status: criteria provided, single submitter. Criteria: ARUP Molecular Germline Variant Investigation Process. Collection method: clinical testing. Allele origin: germline.
Comment: The CBS c.215A>T; p.Lys72Ile variant (rs192232907) is reported in the literature in an individual affected with coronary artery dissection and another individual affected with homocystinuria (Kaadan 2018, Li 2018). The individual affected with homocystinuria also carried a second missense variant, although the clinical significance of the second variant was not demonstrated (Li 2018). The p.Lys72Ile variant is found in the East Asian population with an overall allele frequency of 0.76% (151/19924 alleles) in the Genome Aggregation Database. The lysine at codon 72 is moderately conserved and computational analyses (SIFT, PolyPhen-2) predict that this variant is tolerated. However, due to limited information, the clinical significance of the p.Lys72Ile variant is uncertain at this time. References: Kaadan et al. Prospective Cardiovascular Genetics Evaluation in Spontaneous Coronary Artery Dissection. Circ Genom Precis Med. 2018 Apr;11(4):e001933. Li et al. Eight novel mutations of CBS gene in nine Chinese patients with classical homocystinuria. World J Pediatr. 2018 Apr;14(2):197-203.

Genome Diagnostics Laboratory, The Hospital for Sick Children
Classification: Uncertain significance for Connective tissue disorder. Last evaluated: 2019-11-01. Review status: criteria provided, single submitter. Criteria: ACMG Guidelines, 2015. Collection method: clinical testing. Allele origin: germline.

GeneDx
Classification: Uncertain significance. Last evaluated: 2018-09-13. Review status: criteria provided, single submitter. Criteria: GeneDx Variant Classification (06012015). Collection method: clinical testing. Allele origin: germline. Affected: yes.
Comment: This variant has also been identified both independently of and in conjunction with additional cardiogenetic variants in several individuals referred for TAAD / Marfan syndrome genetic testing at GeneDx. However, thus far, segregation data is limited or absent for these individuals due to the lack of clinical information provided and/or insufficient participation by informative family members. The K72I variant is observed 139/18,848 (0.74%) alleles from individuals of East Asian ancestry in large population cohorts (Lek et al., 2016). The K72I variant is a non-conservative amino acid substitution, which is likely to impact secondary protein structure as these residues differ in polarity, charge, size and/or other properties. In-silico analyses, including protein predictors and evolutionary conservation, support a deleterious effect.

Ambry Genetics
Classification: Benign for Familial thoracic aortic aneurysm and aortic dissection. Last evaluated: 2017-05-26. Review status: criteria provided, single submitter. Criteria: Ambry Variant Classification Scheme 2023. Collection method: clinical testing. Allele origin: germline.

Illumina Laboratory Services, Illumina
Classification: Uncertain significance for Classic homocystinuria. Last evaluated: 2017-04-27. Review status: criteria provided, single submitter. Criteria: ICSL Variant Classification Criteria 13 December 2019. Collection method: clinical testing. Allele origin: germline.
Comment: This variant was observed as part of a predisposition screen in an ostensibly healthy population. A literature search was performed for the gene, cDNA change, and amino acid change (where applicable). Publications were found based on this search. However, the evidence from the literature, in combination with allele frequency data from public databases where available, was not sufficient to rule this variant in or out of causing disease. Therefore, this variant is classified as a variant of unknown significance.

PreventionGenetics, part of Exact Sciences
Classification: Likely benign for CBS-related condition. Last evaluated: 2023-07-29. Review status: no assertion criteria provided. Collection method: clinical testing. Allele origin: germline. Not counted in ClinVar's aggregate classification.
Comment: This variant is classified as likely benign based on ACMG/AMP sequence variant interpretation guidelines (Richards et al. 2015 PMID: 25741868, with internal and published modifications).

Natera, Inc.
Classification: Likely benign for Homocystinuria due to cystathionine beta-synthase deficiency. Last evaluated: 2020-05-30. Review status: no assertion criteria provided. Collection method: clinical testing. Allele origin: germline. Not counted in ClinVar's aggregate classification.

Literature cited by the submitters: PubMed 29508359 (cited by Women's Health and Genetics/Laboratory Corporation of America, LabCorp); PubMed 30838026 (cited by Women's Health and Genetics/Laboratory Corporation of America, LabCorp); PubMed 36787440 (cited by Women's Health and Genetics/Laboratory Corporation of America, LabCorp); PubMed 38563463 (cited by Women's Health and Genetics/Laboratory Corporation of America, LabCorp); PubMed 21062078 (cited by Illumina Laboratory Services, Illumina).